The following is an entry in ClinVar:

NM_000127.3(EXT1):c.1536+2T>G

Gene: EXT1 (exostosin glycosyltransferase 1; minus strand). Cytogenetic location: 8q24.11.
Variant type: single nucleotide variant.
Coding change: c.1536+2T>G on transcript NM_000127.3 (MANE Select); the canonical splice donor site of the intron after coding-DNA position 1536, T replaced by G.
Molecular consequence: splice donor variant.
Genome position (GRCh38, 1-based): chr8:117,819,674, A>C on the plus strand (T>G on the coding strand, the complement: EXT1 is on the minus strand). VCF-style: chr8-117819674-A-C. GRCh37 (hg19) VCF-style: chr8-118831913-A-C.
Identifiers: ClinVar variation 3067740 (VCV003067740.21), dbSNP rs2488108990, ClinGen allele CA371884379.
Genomic context (GRCh38, chr8:117,819,674, plus strand): 5'-GGGCGGAGTCTCTGGTCTGGAGCTGGAGCAGGCAGGGGCTTCTCTGTCAACTTCCCGCTC[A>C]CCTGGGCACAGTACTGGGACTTGGCTGCAGCCACGAGAAGCTTCAACACTGGCTGGGACT-3'

ClinVar aggregate classification (germline): Pathogenic (1 of 4 stars; one submission).

Submission:

CeGaT Center for Human Genetics Tuebingen
Classification: Pathogenic. Last evaluated: 2024-03-01. Review status: criteria provided, single submitter. Criteria: CeGaT Center For Human Genetics Tuebingen Variant Classification Criteria Version 2. Collection method: clinical testing. Allele origin: germline. Affected: yes. Observed: 1 variant allele.
Comment: EXT1: PVS1, PM2